The following is an entry in ClinVar:

NM_002582.4(PARN):c.19+3G>A

Gene: PARN (poly(A)-specific ribonuclease; minus strand). Cytogenetic location: 16p13.12.
Variant type: single nucleotide variant.
Coding change: c.19+3G>A on transcript NM_002582.4 (MANE Select); 3 bases into the intron after coding-DNA position 19, G replaced by A.
Molecular consequence: intron variant.
Genome position (GRCh38, 1-based): chr16:14,630,104, C>T on the plus strand (G>A on the coding strand, the complement: PARN is on the minus strand). VCF-style: chr16-14630104-C-T. GRCh37 (hg19) VCF-style: chr16-14723961-C-T.
Other names: c.-165+86G>A (NM_001134477.3); c.19+3G>A (NM_001242992.2).
Identifiers: ClinVar variation 2034050 (VCV002034050.4), dbSNP rs2508672127, ClinGen allele CA2580090738.

ClinVar aggregate classification (germline): Uncertain significance (1 of 4 stars; one submission).

Conditions:
Dyskeratosis congenita, autosomal recessive 6 (DKCB6). Identifiers: MedGen C4225356, MONDO:0014600, OMIM 616353.
Pulmonary fibrosis and/or bone marrow failure, Telomere-related, 4. Also called: PULMONARY FIBROSIS AND/OR BONE MARROW FAILURE SYNDROME, TELOMERE-RELATED, 4. Identifiers: Orphanet 2032, MedGen C4225347, MONDO:0014612, OMIM 616371.

Submission:

Labcorp Genetics (formerly Invitae), Labcorp
Classification: Uncertain significance for Dyskeratosis congenita, autosomal recessive 6; Pulmonary fibrosis and/or bone marrow failure, Telomere-related, 4. Last evaluated: 2022-10-04. Review status: criteria provided, single submitter. Criteria: Invitae Variant Classification Sherloc (09022015). Collection method: clinical testing. Allele origin: germline.
Comment: This sequence change falls in intron 1 of the PARN gene. It does not directly change the encoded amino acid sequence of the PARN protein. It affects a nucleotide within the consensus splice site. In summary, the available evidence is currently insufficient to determine the role of this variant in disease. Therefore, it has been classified as a Variant of Uncertain Significance. Variants that disrupt the consensus splice site are a relatively common cause of aberrant splicing (PMID: 17576681, 9536098). Algorithms developed to predict the effect of sequence changes on RNA splicing suggest that this variant may disrupt the consensus splice site. This variant has not been reported in the literature in individuals affected with PARN-related conditions. This variant is not present in population databases (gnomAD no frequency).

Literature cited by the submitters: PubMed 17576681; PubMed 9536098.